The following is an entry in ClinVar:

ClinVar aggregate classification (germline): Conflicting classifications of pathogenicity. Review status: criteria provided, conflicting classifications (1 of 4 stars). 3 submissions from 3 submitters: Likely pathogenic (1); Uncertain significance (2). Last evaluated 2026-09-01.

Conditions:
FG syndrome (FGS). Identifiers: MedGen C0220769, MONDO:0002010.

Allele frequency attached by ClinVar (database versions not stated): gnomAD exomes 0.00001; TOPMed 0.00001.
gnomAD v4.1: 6 of 1,209,396 alleles (0.0005%); highest among the groups gnomAD compares: Non-Finnish European, 0.00067%; no homozygotes.

Submissions (3):

GeneDx
Classification: Uncertain significance. Last evaluated: 2026-09-01. Review status: criteria provided, single submitter. Criteria: GeneDx Variant Classification Process June 2021. Collection method: clinical testing. Allele origin: germline.
Comment: In silico analysis supports that this missense variant has a deleterious effect on protein structure/function; Has not been previously published as pathogenic or benign to our knowledge

Labcorp Genetics (formerly Invitae), Labcorp
Classification: Uncertain significance for FG syndrome. Last evaluated: 2022-05-20. Review status: criteria provided, single submitter. Criteria: Invitae Variant Classification Sherloc (09022015). Collection method: clinical testing. Allele origin: germline.
Comment: This sequence change replaces arginine, which is basic and polar, with histidine, which is basic and polar, at codon 1319 of the MED12 protein (p.Arg1319His). This variant is not present in population databases (gnomAD no frequency). This variant has not been reported in the literature in individuals affected with MED12-related conditions. ClinVar contains an entry for this variant (Variation ID: 1299196). Algorithms developed to predict the effect of missense changes on protein structure and function are either unavailable or do not agree on the potential impact of this missense change (SIFT: "Deleterious"; PolyPhen-2: "Benign"; Align-GVGD: "Class C25"). In summary, the available evidence is currently insufficient to determine the role of this variant in disease. Therefore, it has been classified as a Variant of Uncertain Significance.

CeGaT Center for Human Genetics Tuebingen
Classification: Likely pathogenic. Last evaluated: 2021-07-01. Review status: criteria provided, single submitter. Criteria: CeGaT Center For Human Genetics Tuebingen Variant Classification Criteria Version 2. Collection method: clinical testing. Allele origin: germline. Affected: yes. Observed: 1 variant allele.

NM_005120.3(MED12):c.3956G>A (p.Arg1319His)

Gene: MED12 (mediator complex subunit 12; plus strand). Cytogenetic location: Xq13.1.
Variant type: single nucleotide variant.
Coding change: c.3956G>A on transcript NM_005120.3 (MANE Select); coding-DNA position 3956, G replaced by A.
Protein change: p.Arg1319His; replaces arginine 1319 with histidine.
Molecular consequence: missense variant.
Genome position (GRCh38, 1-based): chrX:71,130,123, G>A. VCF-style: chrX-71130123-G-A. GRCh37 (hg19) VCF-style: chrX-70349973-G-A.
Other names: c.3956G>A (NM_005120.2); short protein forms R1319H.
Identifiers: ClinVar variation 1299196 (VCV001299196.41), dbSNP rs1421325265, ClinGen allele CA413523326.